The following is an entry in ClinVar:

NM_181503.3(EXOSC8):c.244A>G (p.Asn82Asp)

Gene: EXOSC8 (exosome component 8; plus strand). Cytogenetic location: 13q13.3.
Variant type: single nucleotide variant.
Coding change: c.244A>G on transcript NM_181503.3 (MANE Select); coding-DNA position 244, A replaced by G.
Protein change: p.Asn82Asp; replaces asparagine 82 with aspartic acid.
Molecular consequence: missense variant.
Genome position (GRCh38, 1-based): chr13:37,005,925, A>G. VCF-style: chr13-37005925-A-G. GRCh37 (hg19) VCF-style: chr13-37580062-A-G.
Other names: short protein forms N82D.
Identifiers: ClinVar variation 2015023 (VCV002015023.4), dbSNP rs1019712819, ClinGen allele CA387868457.
Genomic context (GRCh38, chr13:37,005,925, plus strand): 5'-AAAAAAAAAAAAAAAAAAAAAGGTTTAGTTCATAGCTGCAGAGTGTTTCTTTCAGTTCCT[A>G]ATGTGGATCTACCACCCCTGTGTTCATCGAGATTCCGGTCTGGACCTCCTGGAGAAGAGG-3'
Protein context (NP_852480.1, residues 72-92): DAPDKGYVVP[Asn82Asp]VDLPPLCSSR

ClinVar aggregate classification (germline): Uncertain significance (1 of 4 stars; one submission).

Submission:

Labcorp Genetics (formerly Invitae), Labcorp
Classification: Uncertain significance. Last evaluated: 2022-09-23. Review status: criteria provided, single submitter. Criteria: Invitae Variant Classification Sherloc (09022015). Collection method: clinical testing. Allele origin: germline.
Comment: This variant is not present in population databases (gnomAD no frequency). This sequence change replaces asparagine, which is neutral and polar, with aspartic acid, which is acidic and polar, at codon 82 of the EXOSC8 protein (p.Asn82Asp). This variant has not been reported in the literature in individuals affected with EXOSC8-related conditions. Advanced modeling of protein sequence and biophysical properties (such as structural, functional, and spatial information, amino acid conservation, physicochemical variation, residue mobility, and thermodynamic stability) performed at Invitae indicates that this missense variant is expected to disrupt EXOSC8 protein function. Algorithms developed to predict the effect of sequence changes on RNA splicing suggest that this variant may disrupt the consensus splice site. In summary, the available evidence is currently insufficient to determine the role of this variant in disease. Therefore, it has been classified as a Variant of Uncertain Significance.